The following is an entry in ClinVar:

NM_000216.4(ANOS1):c.207+2dup

Gene: ANOS1 (anosmin 1; minus strand). Cytogenetic location: Xp22.31.
Variant type: Duplication.
Coding change: c.207+2dup on transcript NM_000216.4 (MANE Select); the canonical splice donor site of the intron after coding-DNA position 207, one base duplicated (T; older notation c.207+2dupT).
Molecular consequence: splice donor variant.
Genome position (GRCh38, 1-based): chrX:8,731,828, A duplicated on the plus strand (T on the coding strand, the reverse complement: ANOS1 is on the minus strand). VCF-style (leftmost placement, unchanged base first): chrX-8731827-T-TA. GRCh37 (hg19) VCF-style: chrX-8699868-T-TA.
Other names: c.207+2dup (NM_001440775.1).
Identifiers: ClinVar variation 4721706 (VCV004721706.1).

ClinVar aggregate classification (germline): Uncertain significance (1 of 4 stars; one submission).

Conditions:
Hypogonadotropic hypogonadism 1 with or without anosmia (HH1). Also called: Kallmann syndrome, type 1, X-linked; DYSPLASIA OLFACTOGENITALIS OF DE MORSIER; HYPOGONADOTROPIC HYPOGONADISM 1 WITH ANOSMIA; KAL1-Related GnRH Deficiency (Kallmann Syndrome 1; Kallmann Syndrome, X-Linked); Hypogonadotropic hypogonadism 1 with or without anosmia (Kallmann syndrome 1); HYPOGONADOTROPIC HYPOGONADISM AND ANOSMIA. Identifiers: Orphanet 478, MedGen C1563719, MONDO:0010635, OMIM 308700. Disease mechanism: loss of function.

Submission:

Labcorp Genetics (formerly Invitae), Labcorp
Classification: Uncertain significance for Hypogonadotropic hypogonadism 1 with or without anosmia. Last evaluated: 2025-08-19. Review status: criteria provided, single submitter. Criteria: Invitae Variant Classification Sherloc (09022015). Collection method: clinical testing. Allele origin: germline.
Comment: This sequence change falls in intron 1 of the ANOS1 gene. It does not directly change the encoded amino acid sequence of the ANOS1 protein. It affects a nucleotide within the consensus splice site. This variant is not present in population databases (gnomAD no frequency). This variant has not been reported in the literature in individuals affected with ANOS1-related conditions. Variants that disrupt the consensus splice site are a relatively common cause of aberrant splicing (PMID: 17576681, 9536098). Algorithms developed to predict the effect of sequence changes on RNA splicing suggest that this variant may disrupt the consensus splice site. In summary, the available evidence is currently insufficient to determine the role of this variant in disease. Therefore, it has been classified as a Variant of Uncertain Significance.

Literature cited by the submitters: PubMed 17576681; PubMed 9536098.